The following is an entry in ClinVar:

NM_198880.3(QRICH1):c.2284G>A (p.Glu762Lys)

Gene: QRICH1 (glutamine rich 1; minus strand). Cytogenetic location: 3p21.31.
Variant type: single nucleotide variant.
Coding change: c.2284G>A on transcript NM_198880.3 (MANE Select); coding-DNA position 2284, G replaced by A.
Protein change: p.Glu762Lys; replaces glutamic acid 762 with lysine.
Molecular consequence: missense variant.
Genome position (GRCh38, 1-based): chr3:49,030,499, C>T on the plus strand (G>A on the coding strand, the complement: QRICH1 is on the minus strand). VCF-style: chr3-49030499-C-T. GRCh37 (hg19) VCF-style: chr3-49067932-C-T.
Other names: c.2284G>A, p.Glu762Lys (NM_001320580.2, NM_001320581.2, NM_001320582.2 and 4 more transcripts); short protein forms E762K.
Identifiers: ClinVar variation 3428872 (VCV003428872.1).

ClinVar aggregate classification (germline): Uncertain significance (1 of 4 stars; one submission).

Conditions:
Inborn genetic diseases. Identifiers: MedGen C0950123, MeSH D030342.

Submission:

Ambry Genetics
Classification: Uncertain significance for Inborn genetic diseases. Last evaluated: 2024-08-26. Review status: criteria provided, single submitter. Criteria: Ambry Variant Classification Scheme 2023. Collection method: clinical testing. Allele origin: germline.
Comment: The c.2284G>A (p.E762K) alteration is located in exon 11 (coding exon 9) of the QRICH1 gene. This alteration results from a G to A substitution at nucleotide position 2284, causing the glutamic acid (E) at amino acid position 762 to be replaced by a lysine (K). This variant was not reported in population-based cohorts in the Genome Aggregation Database (gnomAD). This amino acid position is highly conserved in available vertebrate species. This alteration is predicted to be deleterious by in silico analysis. Based on insufficient or conflicting evidence, the clinical significance of this alteration remains unclear.